The following is an entry in ClinVar:

ClinVar aggregate classification (germline): Uncertain significance. Review status: criteria provided, multiple submitters, no conflicts (2 of 4 stars). 2 submissions from 2 submitters: Uncertain significance (2). Last evaluated 2023-08-03.

Conditions:
Hereditary cancer-predisposing syndrome. Also called: Hereditary Cancer Syndrome; Tumor predisposition; Hereditary neoplastic syndrome; Neoplastic Syndromes, Hereditary. Identifiers: Orphanet 140162, MedGen C0027672, MeSH D009386, MONDO:0015356.
Hereditary breast ovarian cancer syndrome. Also called: Hereditary breast and ovarian cancer syndrome (HBOC); Breast and ovarian cancer; Hereditary breast and ovarian cancer syndrome; Hereditary breast and/or ovarian cancer syndrome; BRCA1- and BRCA2-Associated Hereditary Breast and Ovarian Cancer; Hereditary breast and ovarian cancer. Identifiers: Orphanet 145, MedGen C0677776, MeSH D061325, MONDO:0003582. Disease mechanism: loss of function.

Submissions (2):

Ambry Genetics
Classification: Uncertain significance for Hereditary cancer-predisposing syndrome. Last evaluated: 2023-08-03. Review status: criteria provided, single submitter. Criteria: Ambry Variant Classification Scheme 2023. Collection method: clinical testing. Allele origin: germline.
Comment: The p.H179Y variant (also known as c.535C>T), located in coding exon 6 of the BRCA2 gene, results from a C to T substitution at nucleotide position 535. The histidine at codon 179 is replaced by tyrosine, an amino acid with similar properties. This amino acid position is poorly conserved in available vertebrate species. In addition, this alteration is predicted to be tolerated by in silico analysis. Since supporting evidence is limited at this time, the clinical significance of this alteration remains unclear.

Labcorp Genetics (formerly Invitae), Labcorp
Classification: Uncertain significance for Hereditary breast ovarian cancer syndrome. Last evaluated: 2023-01-27. Review status: criteria provided, single submitter. Criteria: Invitae Variant Classification Sherloc (09022015). Collection method: clinical testing. Allele origin: germline.
Comment: In summary, the available evidence is currently insufficient to determine the role of this variant in disease. Therefore, it has been classified as a Variant of Uncertain Significance. Advanced modeling of protein sequence and biophysical properties (such as structural, functional, and spatial information, amino acid conservation, physicochemical variation, residue mobility, and thermodynamic stability) performed at Invitae indicates that this missense variant is not expected to disrupt BRCA2 protein function. ClinVar contains an entry for this variant (Variation ID: 1416049). This variant has not been reported in the literature in individuals affected with BRCA2-related conditions. This variant is not present in population databases (gnomAD no frequency). This sequence change replaces histidine, which is basic and polar, with tyrosine, which is neutral and polar, at codon 179 of the BRCA2 protein (p.His179Tyr).

NM_000059.4(BRCA2):c.535C>T (p.His179Tyr)

Gene: BRCA2 (BRCA2 DNA repair associated; plus strand). Cytogenetic location: 13q13.1.
Variant type: single nucleotide variant.
Coding change: c.535C>T on transcript NM_000059.4 (MANE Select); coding-DNA position 535, C replaced by T.
Protein change: p.His179Tyr; replaces histidine 179 with tyrosine.
Molecular consequence: missense variant.
Genome position (GRCh38, 1-based): chr13:32,326,517, C>T. VCF-style: chr13-32326517-C-T. GRCh37 (hg19) VCF-style: chr13-32900654-C-T.
Other names: c.535C>T (NM_000059.3); short protein forms H179Y.
Identifiers: ClinVar variation 1416049 (VCV001416049.10), dbSNP rs2137452082, ClinGen allele CA387757829.